The following is an entry in ClinVar:

NM_001009944.3(PKD1):c.12139-1G>A

Gene: PKD1 (polycystin 1, transient receptor potential channel interacting; minus strand). Cytogenetic location: 16p13.3.
Variant type: single nucleotide variant.
Coding change: c.12139-1G>A on transcript NM_001009944.3 (MANE Select); the canonical splice acceptor site of the intron before coding-DNA position 12139, G replaced by A.
Molecular consequence: splice acceptor variant.
Genome position (GRCh38, 1-based): chr16:2,090,591, C>T on the plus strand (G>A on the coding strand, the complement: PKD1 is on the minus strand). VCF-style: chr16-2090591-C-T. GRCh37 (hg19) VCF-style: chr16-2140592-C-T.
Other names: c.12136-1G>A (NM_000296.4).
Identifiers: ClinVar variation 3578871 (VCV003578871.3).

ClinVar aggregate classification (germline): Pathogenic/Likely pathogenic. Review status: criteria provided, multiple submitters, no conflicts (2 of 4 stars). 3 submissions from 3 submitters: Pathogenic (1); Likely pathogenic (2). Last evaluated 2025-10-27.

Conditions:
Polycystic kidney disease, adult type (PKD1). Also called: Polycystic Kidney, Autosomal Dominant; POLYCYSTIC KIDNEY DISEASE, ADULT, TYPE I; Polycystic Kidney Disease 1, Autosomal Dominant; Polycystic kidney disease 1; Polycystic kidney disease 1, severe; POLYCYSTIC KIDNEY DISEASE 1 WITH OR WITHOUT POLYCYSTIC LIVER DISEASE. Identifiers: MedGen C3149841, MONDO:0008263, OMIM 173900.

gnomAD v4.1: 1 of 1,608,656 alleles (0.000062%); highest among the groups gnomAD compares: Non-Finnish European, 0.000085%; no homozygotes.

Submissions (3):

Women's Health and Genetics/Laboratory Corporation of America, LabCorp
Classification: Likely pathogenic for Polycystic kidney disease, adult type. Last evaluated: 2025-10-27. Review status: criteria provided, single submitter. Criteria: LabCorp Variant Classification Summary - May 2015. Collection method: clinical testing. Allele origin: germline.
Comment: Variant summary: PKD1 c.12139-1G>A is located in a canonical splice-site and is predicted to affect mRNA splicing resulting in a significantly altered protein due to either exon skipping, shortening, or inclusion of intronic material. Variants that disrupt the consensus splice site are a relatively common cause of aberrant splicing and loss of PKD1 function. Several computational tools predict a significant impact on normal splicing: Four predict the variant abolishes a 3' acceptor site. However, these predictions have yet to be confirmed by functional studies. The variant was absent in 240508 control chromosomes. c.12139-1G>A has been observed in individuals affected with Polycystic Kidney Disease 1 (example: Audrzet_2012, Pandita_2019. Lindemann_2023). These data indicate that the variant may be associated with disease. To our knowledge, no experimental evidence demonstrating an impact on protein function has been reported. The following publications have been ascertained in the context of this evaluation (PMID: 22508176, 36938073, 30816285). ClinVar contains an entry for this variant (Variation ID: 3578871). Based on the evidence outlined above, the variant was classified as likely pathogenic.

Fulgent Genetics
Classification: Pathogenic for Polycystic kidney disease, adult type. Last evaluated: 2023-12-29. Review status: criteria provided, single submitter. Criteria: ACMG Guidelines, 2015. Collection method: clinical testing. Allele origin: germline.

Clinical Genetics Service, Universitary Hospital 12 de Octubre
Classification: Likely pathogenic for Polycystic kidney disease, adult type. Review status: criteria provided, single submitter. Criteria: ACMG Guidelines, 2015. Collection method: clinical testing. Allele origin: germline. Affected: yes.

Literature cited by the submitters: PubMed 36938073 (cited by Women's Health and Genetics/Laboratory Corporation of America, LabCorp); PubMed 22508176 (cited by Women's Health and Genetics/Laboratory Corporation of America, LabCorp); PubMed 30816285 (cited by Women's Health and Genetics/Laboratory Corporation of America, LabCorp).